The following is an entry in ClinVar:

ClinVar aggregate classification (germline): Uncertain significance. Review status: criteria provided, multiple submitters, no conflicts (2 of 4 stars). 2 submissions from 2 submitters: Uncertain significance (2). Last evaluated 2025-08-25.

Allele frequency attached by ClinVar (database versions not stated): ExAC 0.00002.
gnomAD v4.1: 17 of 1,606,052 alleles (0.0011%); highest among the groups gnomAD compares: Non-Finnish European, 0.0014%; no homozygotes.

Submissions (2):

Ambry Genetics
Classification: Uncertain significance. Last evaluated: 2025-08-25. Review status: criteria provided, single submitter. Criteria: Ambry Variant Classification Scheme 2023. Collection method: clinical testing. Allele origin: germline.

Labcorp Genetics (formerly Invitae), Labcorp
Classification: Uncertain significance. Last evaluated: 2023-12-01. Review status: criteria provided, single submitter. Criteria: Invitae Variant Classification Sherloc (09022015). Collection method: clinical testing. Allele origin: germline.
Comment: This sequence change replaces glycine, which is neutral and non-polar, with aspartic acid, which is acidic and polar, at codon 169 of the MICAL1 protein (p.Gly169Asp). The frequency data for this variant in the population databases is considered unreliable, as metrics indicate poor data quality at this position in the gnomAD database. This variant has not been reported in the literature in individuals affected with MICAL1-related conditions. An algorithm developed to predict the effect of missense changes on protein structure and function (PolyPhen-2) suggests that this variant is likely to be disruptive. In summary, the available evidence is currently insufficient to determine the role of this variant in disease. Therefore, it has been classified as a Variant of Uncertain Significance.

NM_022765.4(MICAL1):c.449G>A (p.Gly150Asp)

Gene: MICAL1 (microtubule associated monooxygenase, calponin and LIM domain containing 1; minus strand). Cytogenetic location: 6q21.
Variant type: single nucleotide variant.
Coding change: c.449G>A on transcript NM_022765.4 (MANE Select); coding-DNA position 449, G replaced by A.
Protein change: p.Gly150Asp; replaces glycine 150 with aspartic acid.
Molecular consequence: missense variant.
Genome position (GRCh38, 1-based): chr6:109,453,655, C>T on the plus strand (G>A on the coding strand, the complement: MICAL1 is on the minus strand). VCF-style: chr6-109453655-C-T. GRCh37 (hg19) VCF-style: chr6-109774858-C-T.
Other names: c.449G>A (NM_022765.3); c.449G>A, p.Gly150Asp (NM_001159291.2); c.506G>A, p.Gly169Asp (NM_001286613.2); short protein forms G150D, G169D.
Identifiers: ClinVar variation 2977046 (VCV002977046.4), dbSNP rs754999747, ClinGen allele CA3953782.
Genomic context (GRCh38, chr6:109,453,655, plus strand): 5'-GCCCAAGCTCACCCGCCCCTCCAGGCCACCACGTGGTGCTCACTGATGTGGTCCAGGGTG[C>T]CGGTGCAGAAGCGCCCGTAGAACTTCTTAGCACCGAGTGCCCGCAGGTCGTGGATGGTGA-3'
Protein context (NP_073602.3, residues 140-160): AKKFYGRFCT[Gly150Asp]TLDHISIRQL